The following is an entry in ClinVar:

ClinVar aggregate classification (germline): Benign/Likely benign. Review status: criteria provided, multiple submitters, no conflicts (2 of 4 stars). 3 submissions from 3 submitters: Benign (1); Likely benign (2). Last evaluated 2025-06-03.

Conditions:
PRDM13-related disorder. Also called: PRDM13-related condition.

Allele frequency attached by ClinVar (database versions not stated): gnomAD exomes 0.00004 and 0.00025; gnomAD 0.00005 and 0.00006; TOPMed 0.00010; ExAC 0.00020.

Submissions (3):

PreventionGenetics, part of Exact Sciences
Classification: Likely benign for PRDM13-related condition. Last evaluated: 2025-06-03. Review status: criteria provided, single submitter. Criteria: ACMG Guidelines, 2015. Collection method: clinical testing. Allele origin: germline.
Comment: This variant is classified as likely benign based on ACMG/AMP sequence variant interpretation guidelines (Richards et al. 2015 PMID: 25741868, with internal and published modifications).

Labcorp Genetics (formerly Invitae), Labcorp
Classification: Likely benign. Last evaluated: 2024-08-20. Review status: criteria provided, single submitter. Criteria: Invitae Variant Classification Sherloc (09022015). Collection method: clinical testing. Allele origin: germline.

Blueprint Genetics
Classification: Benign. Last evaluated: 2024-06-06. Review status: criteria provided, single submitter. Criteria: ACMG Guidelines, 2015. Collection method: clinical testing. Allele origin: germline.

NM_021620.4(PRDM13):c.1655C>T (p.Ala552Val)

Gene: PRDM13 (PR/SET domain 13; plus strand). Cytogenetic location: 6q16.2.
Variant type: single nucleotide variant.
Coding change: c.1655C>T on transcript NM_021620.4 (MANE Select); coding-DNA position 1655, C replaced by T.
Protein change: p.Ala552Val; replaces alanine 552 with valine.
Molecular consequence: missense variant.
Genome position (GRCh38, 1-based): chr6:99,614,290, C>T. VCF-style: chr6-99614290-C-T. GRCh37 (hg19) VCF-style: chr6-100062166-C-T.
Other names: c.1655C>T (NM_021620.3); short protein forms A552V.
Identifiers: ClinVar variation 1095153 (VCV001095153.11), dbSNP rs759550344, ClinGen allele CA3936428.
Genomic context (GRCh38, chr6:99,614,290, plus strand): 5'-TGGCTGCCGGGAAGGGTCGCGGACGCCTGGACTCGGGGACGTTGCCACCGGCCGTCGCGG[C>T]GGCGGGAGGCACCGGGGGCGGCGGCAGCGGAGGCAGCGGCGCAGGTAAGCCCAAGACCGG-3'
Protein context (NP_067633.2, residues 542-562): DSGTLPPAVA[Ala552Val]AGGTGGGGSG